The following is an entry in ClinVar:

ClinVar aggregate classification (germline): Likely benign. Review status: criteria provided, multiple submitters, no conflicts (2 of 4 stars). 2 submissions from 2 submitters: Likely benign (2). Last evaluated 2026-01-18.

Conditions:
Benign neonatal seizures. Also called: Convulsions benign familial neonatal dominant form; Autosomal dominant form of benign neonatal seizures; Benign neonatal familial convulsions; Benign familial neonatal epilepsy; Benign familial neonatal seizures. Identifiers: Orphanet 1949, MedGen C0220669, MONDO:0016027.

Allele frequency attached by ClinVar (database versions not stated): ExAC 0.00002; gnomAD exomes 0.00002 and 0.00004; TOPMed 0.00005; gnomAD 0.00010 and 0.00011; 1000 Genomes Project 30x 0.00016; 1000 Genomes Project 0.00020.
gnomAD v4.1: 57 of 1,614,010 alleles (0.0035%); highest among the groups gnomAD compares: African/African-American, 0.051%; no homozygotes.

Submissions (2):

Labcorp Genetics (formerly Invitae), Labcorp
Classification: Likely benign for Benign neonatal seizures. Last evaluated: 2026-01-18. Review status: criteria provided, single submitter. Criteria: Invitae Variant Classification Sherloc (09022015). Collection method: clinical testing. Allele origin: germline.

GeneDx
Classification: Likely benign. Last evaluated: 2017-12-21. Review status: criteria provided, single submitter. Criteria: GeneDx Variant Classification (06012015). Collection method: clinical testing. Allele origin: germline. Affected: yes.
Comment: This variant is considered likely benign or benign based on one or more of the following criteria: it is a conservative change, it occurs at a poorly conserved position in the protein, it is predicted to be benign by multiple in silico algorithms, and/or has population frequency not consistent with disease.

NM_004519.4(KCNQ3):c.933+12C>T

Gene: KCNQ3 (potassium voltage-gated channel subfamily Q member 3; minus strand). Cytogenetic location: 8q24.22.
Variant type: single nucleotide variant.
Coding change: c.933+12C>T on transcript NM_004519.4 (MANE Select); 12 bases into the intron after coding-DNA position 933, C replaced by T.
Molecular consequence: intron variant.
Genome position (GRCh38, 1-based): chr8:132,175,441, G>A on the plus strand (C>T on the coding strand, the complement: KCNQ3 is on the minus strand). VCF-style: chr8-132175441-G-A. GRCh37 (hg19) VCF-style: chr8-133187688-G-A.
Other names: c.573+12C>T (NM_001204824.2).
Identifiers: ClinVar variation 516134 (VCV000516134.9), dbSNP rs113965977, ClinGen allele CA4880815.